The following is an entry in ClinVar:

NM_001290043.2(TAP2):c.385C>A (p.Gln129Lys)

Gene: TAP2 (transporter 2, ATP binding cassette subfamily B member; minus strand). Cytogenetic location: 6p21.32.
Variant type: single nucleotide variant.
Coding change: c.385C>A on transcript NM_001290043.2 (MANE Select); coding-DNA position 385, C replaced by A.
Protein change: p.Gln129Lys; replaces glutamine 129 with lysine.
Molecular consequence: missense variant.
Genome position (GRCh38, 1-based): chr6:32,837,849, G>T on the plus strand (C>A on the coding strand, the complement: TAP2 is on the minus strand). VCF-style: chr6-32837849-G-T. GRCh37 (hg19) VCF-style: chr6-32805626-G-T.
Other names: c.385C>A, p.Gln129Lys (NM_018833.3, NM_000544.3); short protein forms Q129K.
Identifiers: ClinVar variation 1903547 (VCV001903547.5), dbSNP rs746214639, ClinGen allele CA3746171.

ClinVar aggregate classification (germline): Uncertain significance. Review status: criteria provided, multiple submitters, no conflicts (2 of 4 stars). 2 submissions from 2 submitters: Uncertain significance (2). Last evaluated 2023-12-27.

Conditions:
MHC class I deficiency. Identifiers: Orphanet 34592, MedGen C6024714, MONDO:0011476.
Inborn genetic diseases. Identifiers: MedGen C0950123, MeSH D030342.

Allele frequency attached by ClinVar (database versions not stated): gnomAD 0.00001; ExAC 0.00004.
gnomAD v4.1: 15 of 1,613,476 alleles (0.00093%); highest among the groups gnomAD compares: Non-Finnish European, 0.0013%; no homozygotes.

Submissions (2):

Ambry Genetics
Classification: Uncertain significance for Inborn genetic diseases. Last evaluated: 2023-12-27. Review status: criteria provided, single submitter. Criteria: Ambry Variant Classification Scheme 2023. Collection method: clinical testing. Allele origin: germline.

Labcorp Genetics (formerly Invitae), Labcorp
Classification: Uncertain significance for MHC class I deficiency 1. Last evaluated: 2022-04-28. Review status: criteria provided, single submitter. Criteria: Invitae Variant Classification Sherloc (09022015). Collection method: clinical testing. Allele origin: germline.
Comment: In summary, the available evidence is currently insufficient to determine the role of this variant in disease. Therefore, it has been classified as a Variant of Uncertain Significance. Algorithms developed to predict the effect of missense changes on protein structure and function are either unavailable or do not agree on the potential impact of this missense change (SIFT: "Tolerated"; PolyPhen-2: "Not Available"; Align-GVGD: "Class C0"). This variant has not been reported in the literature in individuals affected with TAP2-related conditions. This variant is present in population databases (rs746214639, gnomAD 0.006%). This sequence change replaces glutamine, which is neutral and polar, with lysine, which is basic and polar, at codon 129 of the TAP2 protein (p.Gln129Lys).